The following is an entry in ClinVar:

NM_001004334.4(GPR179):c.225T>A (p.Asn75Lys)

Gene: GPR179 (G protein-coupled receptor 179; minus strand). Cytogenetic location: 17q12.
Variant type: single nucleotide variant.
Coding change: c.225T>A on transcript NM_001004334.4 (MANE Select); coding-DNA position 225, T replaced by A.
Protein change: p.Asn75Lys; replaces asparagine 75 with lysine.
Molecular consequence: missense variant.
Genome position (GRCh38, 1-based): chr17:38,343,565, A>T on the plus strand (T>A on the coding strand, the complement: GPR179 is on the minus strand). VCF-style: chr17-38343565-A-T. GRCh37 (hg19) VCF-style: chr17-36499448-A-T.
Other names: c.225T>A (NM_001004334.3, NM_001004334.2); short protein forms N75K.
Identifiers: ClinVar variation 1482127 (VCV001482127.8), dbSNP rs749124742, ClinGen allele CA290111850.

ClinVar aggregate classification (germline): Uncertain significance. Review status: criteria provided, multiple submitters, no conflicts (2 of 4 stars). 5 submissions from 5 submitters: Uncertain significance (5). Last evaluated 2025-10-08.

Conditions:
Inborn genetic diseases. Identifiers: MedGen C0950123, MeSH D030342.
Congenital stationary night blindness 1E. Also called: Night blindness, congenital stationary (complete), 1E, autosomal recessive. Identifiers: Orphanet 215, MedGen C3281215, MONDO:0013807, OMIM 614565.

Allele frequency attached by ClinVar (database versions not stated): gnomAD 0.00001; TOPMed 0.00004; gnomAD exomes 0.00005; ExAC 0.00006.
gnomAD v4.1: 15 of 1,613,682 alleles (0.00093%); highest among the groups gnomAD compares: Admixed American, 0.025%; no homozygotes.

Submissions (5):

Labcorp Genetics (formerly Invitae), Labcorp
Classification: Uncertain significance. Last evaluated: 2025-10-08. Review status: criteria provided, single submitter. Criteria: Invitae Variant Classification Sherloc (09022015). Collection method: clinical testing. Allele origin: germline.
Comment: This sequence change replaces asparagine, which is neutral and polar, with lysine, which is basic and polar, at codon 75 of the GPR179 protein (p.Asn75Lys). This variant is present in population databases (rs749124742, gnomAD 0.03%). This variant has not been reported in the literature in individuals affected with GPR179-related conditions. ClinVar contains an entry for this variant (Variation ID: 1482127). An algorithm developed to predict the effect of missense changes on protein structure and function (PolyPhen-2) suggests that this variant is likely to be disruptive. In summary, the available evidence is currently insufficient to determine the role of this variant in disease. Therefore, it has been classified as a Variant of Uncertain Significance.

3billion
Classification: Uncertain significance for Congenital stationary night blindness 1E. Last evaluated: 2025-04-09. Review status: criteria provided, single submitter. Criteria: ACMG Guidelines, 2015. Collection method: clinical testing. Allele origin: germline. Affected: yes.

Ambry Genetics
Classification: Uncertain significance for Inborn genetic diseases. Last evaluated: 2024-03-07. Review status: criteria provided, single submitter. Criteria: Ambry Variant Classification Scheme 2023. Collection method: clinical testing. Allele origin: germline.

GeneDx
Classification: Uncertain significance. Last evaluated: 2022-11-11. Review status: criteria provided, single submitter. Criteria: GeneDx Variant Classification Process June 2021. Collection method: clinical testing. Allele origin: germline. Affected: yes.
Comment: In silico analysis supports that this missense variant has a deleterious effect on protein structure/function; Has not been previously published as pathogenic or benign to our knowledge

Blueprint Genetics
Classification: Uncertain significance. Last evaluated: 2022-04-12. Review status: criteria provided, single submitter. Criteria: ACMG Guidelines, 2015. Collection method: clinical testing. Allele origin: germline.